The following is an entry in ClinVar:

ClinVar aggregate classification (germline): Uncertain significance (1 of 4 stars; one submission).

Conditions:
Ullrich congenital muscular dystrophy 2 (UCMD2). Identifiers: Orphanet 75840, MedGen C4225314, MONDO:0014654, OMIM 616470.
Bethlem myopathy 2 (BTHLM2). Identifiers: Orphanet 536516, Orphanet 610, MedGen C4225313, MONDO:0034022, OMIM 616471.

Allele frequency attached by ClinVar (database versions not stated): gnomAD exomes below 0.00001; ExAC 0.00001.
gnomAD v4.1: 3 of 1,614,136 alleles (0.00019%); highest among the groups gnomAD compares: Non-Finnish European, 0.00025%; no homozygotes.

Submission:

Labcorp Genetics (formerly Invitae), Labcorp
Classification: Uncertain significance for Bethlem myopathy 2; Ullrich congenital muscular dystrophy 2. Last evaluated: 2024-01-22. Review status: criteria provided, single submitter. Criteria: Invitae Variant Classification Sherloc (09022015). Collection method: clinical testing. Allele origin: germline.
Comment: This sequence change replaces serine, which is neutral and polar, with isoleucine, which is neutral and non-polar, at codon 1618 of the COL12A1 protein (p.Ser1618Ile). This variant is not present in population databases (gnomAD no frequency). This variant has not been reported in the literature in individuals affected with COL12A1-related conditions. ClinVar contains an entry for this variant (Variation ID: 579127). Advanced modeling of protein sequence and biophysical properties (such as structural, functional, and spatial information, amino acid conservation, physicochemical variation, residue mobility, and thermodynamic stability) performed at Invitae indicates that this missense variant is not expected to disrupt COL12A1 protein function with a negative predictive value of 80%. In summary, the available evidence is currently insufficient to determine the role of this variant in disease. Therefore, it has been classified as a Variant of Uncertain Significance.

NM_004370.6(COL12A1):c.4853G>T (p.Ser1618Ile)

Gene: COL12A1 (collagen type XII alpha 1 chain; minus strand). Cytogenetic location: 6q13.
Variant type: single nucleotide variant.
Coding change: c.4853G>T on transcript NM_004370.6 (MANE Select); coding-DNA position 4853, G replaced by T.
Protein change: p.Ser1618Ile; replaces serine 1618 with isoleucine.
Molecular consequence: missense variant.
Genome position (GRCh38, 1-based): chr6:75,142,136, C>A on the plus strand (G>T on the coding strand, the complement: COL12A1 is on the minus strand). VCF-style: chr6-75142136-C-A. GRCh37 (hg19) VCF-style: chr6-75851852-C-A.
Other names: c.1361G>T, p.Ser454Ile (NM_080645.3); short protein forms S1618I, S454I.
Identifiers: ClinVar variation 579127 (VCV000579127.9), dbSNP rs765702033, ClinGen allele CA3893324.